The following is an entry in ClinVar:

NM_001127464.1:c.6277G>T

Gene: ZNF469 (zinc finger protein 469; plus strand).
Variant type: single nucleotide variant.
Identifiers: ClinVar variation 4209191 (VCV004209191.1).

ClinVar aggregate classification (germline): Uncertain significance (1 of 4 stars; one submission).

Conditions:
Cardiovascular phenotype. Identifiers: MedGen CN230736.

Submission:

Ambry Genetics
Classification: Uncertain significance for Cardiovascular phenotype. Last evaluated: 2025-07-30. Review status: criteria provided, single submitter. Criteria: Ambry Variant Classification Scheme 2023. Collection method: clinical testing. Allele origin: germline.
Comment: The p.A2093S variant (also known as c.6277G>T), located in coding exon 2 of the ZNF469 gene, results from a G to T substitution at nucleotide position 6277. The alanine at codon 2093 is replaced by serine, an amino acid with similar properties. This amino acid position is conserved. In addition, this alteration is predicted to be tolerated by in silico analysis. Based on the available evidence, the clinical significance of this variant remains unclear.